The following is an entry in ClinVar:

NM_000232.5(SGCB):c.374del (p.Ser125fs)

Gene: SGCB (sarcoglycan beta; minus strand). Cytogenetic location: 4q12.
Variant type: Deletion.
Coding change: c.374del on transcript NM_000232.5 (MANE Select); coding-DNA position 374, one base deleted (G; older notation c.374delG).
Protein change: p.Ser125fs; shifts the reading frame from serine 125.
Molecular consequence: frameshift variant.
Genome position (GRCh38, 1-based): chr4:52,029,733, C deleted on the plus strand (G on the coding strand, the reverse complement: SGCB is on the minus strand). VCF-style (leftmost placement, unchanged base first): chr4-52029732-GC-G. GRCh37 (hg19) VCF-style: chr4-52895898-GC-G.
Other names: c.374del (NM_000232.4); short protein forms S125fs.
Identifiers: ClinVar variation 2678690 (VCV002678690.3), dbSNP rs2475223584, ClinGen allele CA2695199381.

ClinVar aggregate classification (germline): Likely pathogenic. Review status: criteria provided, multiple submitters, no conflicts (2 of 4 stars). 2 submissions from 2 submitters: Likely pathogenic (2). Last evaluated 2025-04-17.

Conditions:
Autosomal recessive limb-girdle muscular dystrophy type 2E (LGMDR4). Also called: MUSCULAR DYSTROPHY, LIMB-GIRDLE, AUTOSOMAL RECESSIVE 4. Identifiers: Orphanet 119, MedGen C1858593, MONDO:0011423, OMIM 604286. Disease mechanism: Affects gamma-sarcoglycan and also disrupts the integrity of the entire sarcoglycan complex..

Submissions (2):

Natera, Inc.
Classification: Likely pathogenic for Limb-girdle muscular dystrophy type 2E. Last evaluated: 2025-04-17. Review status: criteria provided, single submitter. Criteria: Natera Variant Classification Schema (03/2026). Collection method: clinical testing. Allele origin: germline.
Comment: The c.374del variant in SGCB is a frameshift variant predicted to shift the reading frame beginning at codon 125 and leads to a stop codon 3 codons downstream. This variant is expected to result in nonsense mediated decay, truncation, or a dysfunctional protein product. This variant is rare in the general population with a frequency below the threshold expected for the associated phenotype(s). Given the available evidence, this variant is classified as Likely Pathogenic.

Baylor Genetics
Classification: Likely pathogenic for Autosomal recessive limb-girdle muscular dystrophy type 2E. Last evaluated: 2023-03-09. Review status: criteria provided, single submitter. Criteria: ACMG Guidelines, 2015. Collection method: clinical testing. Allele origin: unknown.